The following is an entry in ClinVar:

NM_199420.4(POLQ):c.3797G>T (p.Ser1266Ile)

Gene: POLQ (DNA polymerase theta; minus strand). Cytogenetic location: 3q13.33.
Variant type: single nucleotide variant.
Coding change: c.3797G>T on transcript NM_199420.4 (MANE Select); coding-DNA position 3797, G replaced by T.
Protein change: p.Ser1266Ile; replaces serine 1266 with isoleucine.
Molecular consequence: missense variant.
Genome position (GRCh38, 1-based): chr3:121,489,134, C>A on the plus strand (G>T on the coding strand, the complement: POLQ is on the minus strand). VCF-style: chr3-121489134-C-A. GRCh37 (hg19) VCF-style: chr3-121207981-C-A.
Other names: short protein forms S1266I.
Identifiers: ClinVar variation 1734995 (VCV001734995.3), dbSNP rs1309982513, ClinGen allele CA354097205.
Genomic context (GRCh38, chr3:121,489,134, plus strand): 5'-AGAAAATTCTCATGCTGGCCTTCTGATTTGCTAAATGCTCCAGCTGATGGAAGTACTTCA[C>A]TGGGTATCACAGTTCTGCTTATATCATCTCCTAATGCCTGAAAATGACTTGGTTTATTTT-3'
Protein context (NP_955452.3, residues 1256-1276): GDDISRTVIP[Ser1266Ile]EVLPSAGAFS

ClinVar aggregate classification (germline): Uncertain significance (1 of 4 stars; one submission).

Submission:

Ambry Genetics
Classification: Uncertain significance. Last evaluated: 2024-08-07. Review status: criteria provided, single submitter. Criteria: Ambry Variant Classification Scheme 2023. Collection method: clinical testing. Allele origin: germline.
Comment: The p.S1266I variant (also known as c.3797G>T), located in coding exon 16 of the POLQ gene, results from a G to T substitution at nucleotide position 3797. The serine at codon 1266 is replaced by isoleucine, an amino acid with dissimilar properties. This amino acid position is conserved. In addition, this alteration is predicted to be tolerated by in silico analysis. Since supporting evidence is limited at this time, the clinical significance of this alteration remains unclear.